The following is an entry in ClinVar:

ClinVar aggregate classification (germline): Uncertain significance (1 of 4 stars; one submission).

gnomAD v4.1: 10 of 1,546,786 alleles (0.00065%); highest among the groups gnomAD compares: South Asian, 0.011%; no homozygotes.

Submission:

GeneDx
Classification: Uncertain significance. Last evaluated: 2023-11-29. Review status: criteria provided, single submitter. Criteria: GeneDx Variant Classification Process June 2021. Collection method: clinical testing. Allele origin: germline. Affected: yes.
Comment: Not observed at significant frequency in large population cohorts (gnomAD); In silico analysis supports that this missense variant has a deleterious effect on protein structure/function; Has not been previously published as pathogenic or benign to our knowledge

NM_001378609.3(OTOGL):c.2713C>T (p.Pro905Ser)

Gene: OTOGL (otogelin like; plus strand). Cytogenetic location: 12q21.31.
Variant type: single nucleotide variant.
Coding change: c.2713C>T on transcript NM_001378609.3 (MANE Select); coding-DNA position 2713, C replaced by T.
Protein change: p.Pro905Ser; replaces proline 905 with serine.
Molecular consequence: missense variant.
Genome position (GRCh38, 1-based): chr12:80,278,199, C>T. VCF-style: chr12-80278199-C-T. GRCh37 (hg19) VCF-style: chr12-80671979-C-T.
Other names: c.2713C>T, p.Pro905Ser (NM_001368062.3, NM_001378610.3, NM_173591.7); short protein forms P905S.
Identifiers: ClinVar variation 3364925 (VCV003364925.1).